The following is an entry in ClinVar:

ClinVar aggregate classification (germline): Uncertain significance. Review status: criteria provided, multiple submitters, no conflicts (2 of 4 stars). 2 submissions from 2 submitters: Uncertain significance (2). Last evaluated 2022-07-26.

Conditions:
Charcot-Marie-Tooth disease type 2R. Also called: Charcot-Marie-Tooth disease, axonal, type 2R; CHARCOT-MARIE-TOOTH DISEASE, AXONAL, AUTOSOMAL RECESSIVE, TYPE 2R; CHARCOT-MARIE-TOOTH NEUROPATHY, TYPE 2R. Identifiers: Orphanet 397968, MedGen C3809655, MONDO:0014208, OMIM 615490.

Allele frequency attached by ClinVar (database versions not stated): gnomAD exomes 0.00001; ExAC 0.00002.
gnomAD v4.1: 2 of 1,614,204 alleles (0.00012%); highest among the groups gnomAD compares: Non-Finnish European, 0.000085%; no homozygotes.

Submissions (2):

Labcorp Genetics (formerly Invitae), Labcorp
Classification: Uncertain significance for Charcot-Marie-Tooth disease type 2R. Last evaluated: 2022-07-26. Review status: criteria provided, single submitter. Criteria: Invitae Variant Classification Sherloc (09022015). Collection method: clinical testing. Allele origin: germline.
Comment: In summary, the available evidence is currently insufficient to determine the role of this variant in disease. Therefore, it has been classified as a Variant of Uncertain Significance. Algorithms developed to predict the effect of missense changes on protein structure and function are either unavailable or do not agree on the potential impact of this missense change (SIFT: "Tolerated"; PolyPhen-2: "Possibly Damaging"; Align-GVGD: "Class C0"). ClinVar contains an entry for this variant (Variation ID: 444643). This variant has not been reported in the literature in individuals affected with TRIM2-related conditions. This variant is present in population databases (rs750001904, gnomAD 0.002%). This sequence change replaces glutamic acid, which is acidic and polar, with glutamine, which is neutral and polar, at codon 279 of the TRIM2 protein (p.Glu279Gln).

CeGaT Center for Human Genetics Tuebingen
Classification: Uncertain significance. Last evaluated: 2017-05-01. Review status: criteria provided, single submitter. Criteria: CeGaT Center For Human Genetics Tuebingen Variant Classification Criteria Version 2. Collection method: clinical testing. Allele origin: germline. Affected: yes. Observed: 1 variant allele.

NM_015271.5(TRIM2):c.916G>C (p.Glu306Gln)

Gene: TRIM2 (tripartite motif containing 2; plus strand). Cytogenetic location: 4q31.3.
Variant type: single nucleotide variant.
Coding change: c.916G>C on transcript NM_015271.5 (MANE Select); coding-DNA position 916, G replaced by C.
Protein change: p.Glu306Gln; replaces glutamic acid 306 with glutamine.
Molecular consequence: missense variant.
Genome position (GRCh38, 1-based): chr4:153,295,442, G>C. VCF-style: chr4-153295442-G-C. GRCh37 (hg19) VCF-style: chr4-154216594-G-C.
Other names: c.835G>C, p.Glu279Gln (NM_001130067.2, NM_001351056.2); c.889G>C, p.Glu297Gln (NM_001351054.2); c.886G>C, p.Glu296Gln (NM_001351055.2); c.460G>C, p.Glu154Gln (NM_001351057.2); short protein forms E279Q, E296Q, E306Q, E154Q, E297Q.
Identifiers: ClinVar variation 444643 (VCV000444643.50), dbSNP rs750001904, ClinGen allele CA3108655.
Genomic context (GRCh38, chr4:153,295,442, plus strand): 5'-GCGCAGGCCCTCAACCATGGCACGGAGACCGAGGTCCTACTGGTGAAGAAGCAGATGAGC[G>C]AGAAGCTGAACGAGCTGGCCGACCAGGACTTCCCCTTGCACCCGCGGGAGAACGACCAGC-3'
Protein context (NP_056086.2, residues 296-316): EVLLVKKQMS[Glu306Gln]KLNELADQDF